The following is an entry in ClinVar:

ClinVar aggregate classification (germline): Pathogenic/Likely pathogenic. Review status: criteria provided, multiple submitters, no conflicts (2 of 4 stars). 4 submissions from 4 submitters: Pathogenic (2); Likely pathogenic (2). Last evaluated 2025-01-03.

Conditions:
Fetal akinesia deformation sequence 2. Identifiers: MedGen C4760576, MONDO:0100102, OMIM 618388.
Congenital myasthenic syndrome 11. Also called: MYASTHENIC SYNDROME, CONGENITAL, Ie; Myasthenic syndrome, congenital, 11, associated with acetylcholine receptor deficiency. Identifiers: Orphanet 590, MedGen C4225367, MONDO:0014588, OMIM 616326.
Fetal akinesia deformation sequence 1 (FADS1). Also called: Fetal akinesia sequence; Pena-Shokeir syndrome type I. Identifiers: Orphanet 994, MedGen C1276035, MONDO:0100101, OMIM 208150, HP:0001989.
RAPSN-related disorder. Also called: RAPSN-related condition; RAPSN-related disorders. Identifiers: MedGen CN239397.
Congenital myasthenic syndrome (CMS). Also called: Congenital Myasthenic Syndromes. Identifiers: Orphanet 590, MedGen C0751882, MeSH D020294, MONDO:0018940.

Allele frequency attached by ClinVar (database versions not stated): ExAC 0.00001; gnomAD exomes below 0.00001; ESP Exome Variant Server 0.00008.

Submissions (4):

Natera, Inc.
Classification: Likely pathogenic for Congenital myasthenic syndrome. Last evaluated: 2025-01-03. Review status: criteria provided, single submitter. Criteria: Natera Variant Classification Schema (03/2026). Collection method: clinical testing. Allele origin: germline.
Comment: The c.210delC variant in RAPSN is a frameshift variant predicted to shift the reading frame beginning at codon 70 and leads to a stop codon 18 codons downstream. This variant is expected to result in nonsense mediated decay, truncation, or a dysfunctional protein product. This variant is rare in the general population with a frequency below the threshold expected for the associated phenotype(s). Given the available evidence, this variant is classified as Likely Pathogenic.

Myriad Genetics, Inc.
Classification: Pathogenic for RAPSN-related disorder. Last evaluated: 2024-05-14. Review status: criteria provided, single submitter. Criteria: Myriad Autosomal Dominant, Autosomal Recessive and X-Linked Classification Criteria (2023). Collection method: clinical testing. Allele origin: unknown.
Comment: NM_005055.4(RAPSN):c.210delC(I70Mfs*18) is expected to be pathogenic in the context of RAPSN-related disorders. This variant is predicted to lead to an abnormal or absent protein product due to the creation of a premature termination codon in RAPSN, a gene where loss-of-function variants are known to be pathogenic. Please note: this variant was assessed in the context of healthy population screening.

Baylor Genetics
Classification: Likely pathogenic for Fetal akinesia deformation sequence 2. Last evaluated: 2023-02-03. Review status: criteria provided, single submitter. Criteria: ACMG Guidelines, 2015. Collection method: clinical testing. Allele origin: unknown.

Labcorp Genetics (formerly Invitae), Labcorp
Classification: Pathogenic for Congenital myasthenic syndrome 11; Fetal akinesia deformation sequence 1. Last evaluated: 2021-10-12. Review status: criteria provided, single submitter. Criteria: Invitae Variant Classification Sherloc (09022015). Collection method: clinical testing. Allele origin: germline.
Comment: For these reasons, this variant has been classified as Pathogenic. This variant has not been reported in the literature in individuals affected with RAPSN-related conditions. This variant is present in population databases (rs760999895, ExAC 0.01%). This sequence change creates a premature translational stop signal (p.Ile70Metfs*18) in the RAPSN gene. It is expected to result in an absent or disrupted protein product. Loss-of-function variants in RAPSN are known to be pathogenic (PMID: 17686188).

Literature cited by the submitters: PubMed 17686188 (cited by Labcorp Genetics (formerly Invitae), Labcorp).

NM_005055.5(RAPSN):c.210del (p.Ile70fs)

Gene: RAPSN (receptor associated protein of the synapse; minus strand). Cytogenetic location: 11p11.2.
Variant type: Deletion.
Coding change: c.210del on transcript NM_005055.5 (MANE Select); coding-DNA position 210, one base deleted (C; older notation c.210delC).
Protein change: p.Ile70fs; shifts the reading frame from isoleucine 70.
Molecular consequence: frameshift variant.
Genome position (GRCh38, 1-based): chr11:47,448,133, G deleted on the plus strand (C on the coding strand, the reverse complement: RAPSN is on the minus strand). VCF-style (leftmost placement, unchanged base first): chr11-47448132-CG-C. GRCh37 (hg19) VCF-style: chr11-47469684-CG-C.
Other names: c.210delC (NM_005055.4); c.210del, p.Ile70fs (NM_032645.5); short protein forms I70fs.
Identifiers: ClinVar variation 1455976 (VCV001455976.9), dbSNP rs760999895, ClinGen allele CA5976783.